The following is an entry in ClinVar:

NM_000238.4(KCNH2):c.3163C>T (p.Arg1055Trp)

Gene: KCNH2 (potassium voltage-gated channel subfamily H member 2; minus strand). Cytogenetic location: 7q36.1.
Variant type: single nucleotide variant.
Coding change: c.3163C>T on transcript NM_000238.4 (MANE Select); coding-DNA position 3163, C replaced by T.
Protein change: p.Arg1055Trp; replaces arginine 1055 with tryptophan.
Molecular consequence: missense variant.
Genome position (GRCh38, 1-based): chr7:150,947,044, G>A on the plus strand (C>T on the coding strand, the complement: KCNH2 is on the minus strand). VCF-style: chr7-150947044-G-A. GRCh37 (hg19) VCF-style: chr7-150644132-G-A.
Other names: c.2143C>T, p.Arg715Trp (NM_172057.3); short protein forms R715W, R1055W.
Identifiers: ClinVar variation 405340 (VCV000405340.18), dbSNP rs541259035, ClinGen allele CA037673.

ClinVar aggregate classification (germline): Uncertain significance. Review status: criteria provided, multiple submitters, no conflicts (2 of 4 stars). 6 submissions from 6 submitters: Uncertain significance (6). Last evaluated 2025-06-10.

Conditions:
Cardiovascular phenotype. Identifiers: MedGen CN230736.
Cardiac arrhythmia. Also called: Cardiac rhythm disease; Arrhythmia. Identifiers: MedGen C0003811, MONDO:0007263, HP:0011675.
Long QT syndrome (LQTS). Identifiers: MedGen C0023976, MeSH D008133, MONDO:0002442. Disease mechanism: loss of function. Inheritance: Various modes of inheritance.
Long QT syndrome 2 (LQT2). Identifiers: Orphanet 101016, Orphanet 768, MedGen C3150943, MONDO:0013367, OMIM 613688.

Allele frequency attached by ClinVar (database versions not stated): ExAC 0.00002; TOPMed 0.00004; 1000 Genomes Project 30x 0.00016; 1000 Genomes Project 0.00020.
gnomAD v4.1: 25 of 1,600,770 alleles (0.0016%); highest among the groups gnomAD compares: African/African-American, 0.008%; no homozygotes.

Submissions (6):

Color Diagnostics, LLC DBA Color Health
Classification: Uncertain significance for Cardiac arrhythmia. Last evaluated: 2025-06-10. Review status: criteria provided, single submitter. Criteria: ACMG Guidelines, 2015. Collection method: clinical testing. Allele origin: germline.
Comment: This missense variant replaces arginine with tryptophan at codon 1055 of the KCNH2 protein. Computational prediction is inconclusive regarding the impact of this variant on protein structure and function. To our knowledge, functional studies have not been reported for this variant. This variant has been reported in an individual with acquired long QT syndrome (PMID: 35113648). This variant has been identified in 7/243848 chromosomes in the general population by the Genome Aggregation Database (gnomAD). The available evidence is insufficient to determine the role of this variant in disease conclusively. Therefore, this variant is classified as a Variant of Uncertain Significance.

Labcorp Genetics (formerly Invitae), Labcorp
Classification: Uncertain significance for Long QT syndrome. Last evaluated: 2025-04-24. Review status: criteria provided, single submitter. Criteria: Invitae Variant Classification Sherloc (09022015). Collection method: clinical testing. Allele origin: germline.
Comment: This sequence change replaces arginine, which is basic and polar, with tryptophan, which is neutral and slightly polar, at codon 1055 of the KCNH2 protein (p.Arg1055Trp). This variant is present in population databases (rs541259035, gnomAD 0.007%). This missense change has been observed in individual(s) with long QT syndrome (PMID: 35113648). ClinVar contains an entry for this variant (Variation ID: 405340). An algorithm developed to predict the effect of missense changes on protein structure and function (PolyPhen-2) suggests that this variant is likely to be disruptive. In summary, the available evidence is currently insufficient to determine the role of this variant in disease. Therefore, it has been classified as a Variant of Uncertain Significance.

Athena Diagnostics
Classification: Uncertain significance. Last evaluated: 2024-12-06. Review status: criteria provided, single submitter. Criteria: Athena Diagnostics Criteria. Collection method: clinical testing. Allele origin: unknown.
Comment: Available data are insufficient to determine the clinical significance of the variant at this time. The frequency of this variant in the general population is uninformative in assessment of its pathogenicity. This variant has been identified in at least one individual with drug-induced Long QT syndrome. Polyphen and MutationTaster yielded discordant predictions regarding whether this amino acid change is damaging to the protein.

Blueprint Genetics
Classification: Uncertain significance. Last evaluated: 2024-10-24. Review status: criteria provided, single submitter. Criteria: ACMG Guidelines, 2015. Collection method: clinical testing. Allele origin: germline.

Ambry Genetics
Classification: Uncertain significance for Cardiovascular phenotype. Last evaluated: 2023-12-19. Review status: criteria provided, single submitter. Criteria: Ambry Variant Classification Scheme 2023. Collection method: clinical testing. Allele origin: germline.
Comment: The p.R1055W variant (also known as c.3163C>T), located in coding exon 14 of the KCNH2 gene, results from a C to T substitution at nucleotide position 3163. The arginine at codon 1055 is replaced by tryptophan, an amino acid with dissimilar properties. This alteration has been reported in an acquired long QT syndrome cohort (Gray B et al. Circ Genom Precis Med, 2022 Feb;15:e003391). This amino acid position is well conserved in available vertebrate species. In addition, this alteration is predicted to be deleterious by in silico analysis. Since supporting evidence is limited at this time, the clinical significance of this alteration remains unclear.

Illumina Laboratory Services, Illumina
Classification: Uncertain significance for Long QT syndrome 2. Last evaluated: 2018-01-13. Review status: criteria provided, single submitter. Criteria: ICSL Variant Classification Criteria 13 December 2019. Collection method: clinical testing. Allele origin: germline.

Literature cited by the submitters: PubMed 35113648 (cited by 4 submitters); PubMed 36312261 (cited by Athena Diagnostics).